The following is an entry in ClinVar:

ClinVar aggregate classification (germline): Uncertain significance. Review status: criteria provided, multiple submitters, no conflicts (2 of 4 stars). 4 submissions from 4 submitters: Uncertain significance (4). Last evaluated 2024-10-22.

Conditions:
Pfeiffer syndrome (ACS5). Also called: ACS V. Identifiers: Orphanet 710, MedGen C0220658, MONDO:0007043, OMIM 101600.
Hypogonadotropic hypogonadism 2 with or without anosmia (HH2). Also called: HYPOGONADOTROPIC HYPOGONADISM 2 WITH OR WITHOUT ANOSMIA, SUSCEPTIBILITY TO; HYPOGONADOTROPIC HYPOGONADISM 2 WITHOUT ANOSMIA, SUSCEPTIBILITY TO; FGFR1-Related GnRH Deficiency (Kallmann Syndrome 2); HYPOGONADOTROPIC HYPOGONADISM 2 WITHOUT ANOSMIA. Identifiers: Orphanet 478, MedGen C1563720, MONDO:0007844, OMIM 147950. Disease mechanism: loss of function.
Osteoglophonic dysplasia (OGD). Also called: Osteoglophonic dwarfism. Identifiers: Orphanet 2645, MedGen C0432283, MONDO:0008150, OMIM 166250.
Jackson-Weiss syndrome (JWS). Also called: CRANIOSYNOSTOSIS, MIDFACIAL HYPOPLASIA, AND FOOT ABNORMALITIES. Identifiers: Orphanet 1540, MedGen C0795998, MONDO:0007400, OMIM 123150. Disease mechanism: loss of function.
Encephalocraniocutaneous lipomatosis (ECCL). Identifiers: Orphanet 2396, MedGen C0406612, MONDO:0013074, OMIM 613001.
Trigonocephaly 1 (TRIGNO1). Identifiers: Orphanet 3366, MedGen C0432122, MONDO:0008603, OMIM 190440.
Hartsfield-Bixler-Demyer syndrome (HRTFDS). Also called: Hartsfield syndrome; Holoprosencephaly, ectrodactyly, and bilateral cleft lip/palate; FGFR1-Related Hartsfield Syndrome. Identifiers: Orphanet 2117, MedGen C1845146, MONDO:0014196, OMIM 615465. Disease mechanism: loss of function.

Allele frequency attached by ClinVar (database versions not stated): ExAC 0.00001; gnomAD 0.00001; TOPMed 0.00001; gnomAD exomes 0.00002.
gnomAD v4.1: 34 of 1,614,052 alleles (0.0021%); highest among the groups gnomAD compares: Admixed American, 0.0033%; no homozygotes.

Submissions (4):

Labcorp Genetics (formerly Invitae), Labcorp
Classification: Uncertain significance for Pfeiffer syndrome; Hypogonadotropic hypogonadism 2 with or without anosmia. Last evaluated: 2024-10-22. Review status: criteria provided, single submitter. Criteria: Invitae Variant Classification Sherloc (09022015). Collection method: clinical testing. Allele origin: germline.
Comment: This sequence change replaces arginine, which is basic and polar, with glutamine, which is neutral and polar, at codon 475 of the FGFR1 protein (p.Arg475Gln). This variant is present in population databases (rs747333248, gnomAD 0.006%). This variant has not been reported in the literature in individuals affected with FGFR1-related conditions. ClinVar contains an entry for this variant (Variation ID: 445368). Invitae Evidence Modeling of protein sequence and biophysical properties (such as structural, functional, and spatial information, amino acid conservation, physicochemical variation, residue mobility, and thermodynamic stability) indicates that this missense variant is expected to disrupt FGFR1 protein function with a positive predictive value of 80%. In summary, the available evidence is currently insufficient to determine the role of this variant in disease. Therefore, it has been classified as a Variant of Uncertain Significance.

Fulgent Genetics
Classification: Uncertain significance for Pfeiffer syndrome; Jackson-Weiss syndrome; Hypogonadotropic hypogonadism 2 with or without anosmia; Osteoglophonic dysplasia; Trigonocephaly 1; Encephalocraniocutaneous lipomatosis; Hartsfield-Bixler-Demyer syndrome. Last evaluated: 2024-03-12. Review status: criteria provided, single submitter. Criteria: ACMG Guidelines, 2015. Collection method: clinical testing. Allele origin: germline.

Center for Pediatric Genomic Medicine, Children's Mercy Hospital and Clinics
Classification: Uncertain significance. Last evaluated: 2017-08-15. Review status: criteria provided, single submitter. Criteria: ACMG Guidelines, 2015. Collection method: clinical testing. Allele origin: germline.

Juno Genomics, Hangzhou Juno Genomics, Inc
Classification: Uncertain significance for Trigonocephaly 1; Encephalocraniocutaneous lipomatosis; Hartsfield-Bixler-Demyer syndrome; Hypogonadotropic hypogonadism 2 with or without anosmia; Jackson-Weiss syndrome; Osteoglophonic dysplasia; Pfeiffer syndrome. Review status: criteria provided, single submitter. Criteria: ACMG Guidelines, 2015. Collection method: clinical testing. Allele origin: germline.
Comment: Absent from controls (or at extremely low frequency if recessive) in Genome Aggregation Database.;Missense variant in a gene that has a low rate of benign missense variation.;Multiple lines of computational evidence support a deleterious effect on the gene or gene product.

NM_023110.3(FGFR1):c.1424G>A (p.Arg475Gln)

Gene: FGFR1 (fibroblast growth factor receptor 1; minus strand). Cytogenetic location: 8p11.23.
Variant type: single nucleotide variant.
Coding change: c.1424G>A on transcript NM_023110.3 (MANE Select); coding-DNA position 1424, G replaced by A.
Protein change: p.Arg475Gln; replaces arginine 475 with glutamine.
Molecular consequence: missense variant.
Genome position (GRCh38, 1-based): chr8:38,418,234, C>T on the plus strand (G>A on the coding strand, the complement: FGFR1 is on the minus strand). VCF-style: chr8-38418234-C-T. GRCh37 (hg19) VCF-style: chr8-38275752-C-T.
Other names: c.1418G>A, p.Arg473Gln (NM_001174063.2, NM_001174065.2, NM_001354367.2 and 1 more transcripts); c.1394G>A, p.Arg465Gln (NM_001174064.2); c.1157G>A, p.Arg386Gln (NM_001174066.2, NM_023105.3); c.1517G>A, p.Arg506Gln (NM_001174067.2); c.1145G>A, p.Arg382Gln (NM_001354368.2); c.1412G>A, p.Arg471Gln (NM_001354369.2); c.1151G>A, p.Arg384Gln (NM_001354370.2, NM_023106.3); short protein forms R475Q, R471Q, R382Q, R384Q, R465Q, R506Q, R386Q, R473Q.
Identifiers: ClinVar variation 445368 (VCV000445368.8), dbSNP rs747333248, ClinGen allele CA4718390.